The following is an entry in ClinVar:

NM_133497.4(KCNV2):c.1001C>T (p.Ala334Val)

Gene: KCNV2 (potassium voltage-gated channel modifier subfamily V member 2; plus strand). Cytogenetic location: 9p24.2.
Variant type: single nucleotide variant.
Coding change: c.1001C>T on transcript NM_133497.4 (MANE Select); coding-DNA position 1001, C replaced by T.
Protein change: p.Ala334Val; replaces alanine 334 with valine.
Molecular consequence: missense variant.
Genome position (GRCh38, 1-based): chr9:2,718,740, C>T. VCF-style: chr9-2718740-C-T. GRCh37 (hg19) VCF-style: chr9-2718740-C-T.
Other names: short protein forms A334V.
Identifiers: ClinVar variation 968848 (VCV000968848.10), dbSNP rs758106979, ClinGen allele CA4965721.

ClinVar aggregate classification (germline): Uncertain significance (1 of 4 stars; one submission).

Allele frequency attached by ClinVar (database versions not stated): gnomAD exomes 0.00001 and 0.00002; TOPMed 0.00001; ExAC 0.00002; gnomAD 0.00002 and 0.00003.
gnomAD v4.1: 12 of 1,612,138 alleles (0.00074%); highest among the groups gnomAD compares: Middle Eastern, 0.016%; no homozygotes.

Submission:

Labcorp Genetics (formerly Invitae), Labcorp
Classification: Uncertain significance. Last evaluated: 2022-08-23. Review status: criteria provided, single submitter. Criteria: Invitae Variant Classification Sherloc (09022015). Collection method: clinical testing. Allele origin: germline.
Comment: This sequence change replaces alanine, which is neutral and non-polar, with valine, which is neutral and non-polar, at codon 334 of the KCNV2 protein (p.Ala334Val). In summary, the available evidence is currently insufficient to determine the role of this variant in disease. Therefore, it has been classified as a Variant of Uncertain Significance. Advanced modeling of protein sequence and biophysical properties (such as structural, functional, and spatial information, amino acid conservation, physicochemical variation, residue mobility, and thermodynamic stability) performed at Invitae indicates that this missense variant is not expected to disrupt KCNV2 protein function. ClinVar contains an entry for this variant (Variation ID: 968848). This variant has not been reported in the literature in individuals affected with KCNV2-related conditions. This variant is present in population databases (rs758106979, gnomAD 0.003%).